The following is an entry in ClinVar:

NM_003242.6(TGFBR2):c.1540T>C (p.Cys514Arg)

Gene: TGFBR2 (transforming growth factor beta receptor 2; plus strand). Cytogenetic location: 3p24.1.
Variant type: single nucleotide variant.
Coding change: c.1540T>C on transcript NM_003242.6 (MANE Select); coding-DNA position 1540, T replaced by C.
Protein change: p.Cys514Arg; replaces cysteine 514 with arginine.
Molecular consequence: missense variant.
Genome position (GRCh38, 1-based): chr3:30,691,435, T>C. VCF-style: chr3-30691435-T-C. GRCh37 (hg19) VCF-style: chr3-30732927-T-C.
Other names: c.1615T>C, p.Cys539Arg (NM_001024847.3); c.1723T>C, p.Cys575Arg (NM_001407126.1); c.1648T>C, p.Cys550Arg (NM_001407127.1); c.1567T>C, p.Cys523Arg (NM_001407128.1); c.1543T>C, p.Cys515Arg (NM_001407129.1); c.1537T>C, p.Cys513Arg (NM_001407130.1); c.1435T>C, p.Cys479Arg (NM_001407132.1, NM_001407133.1, NM_001407134.1 and 2 more transcripts); c.1255T>C, p.Cys419Arg (NM_001407137.1); and 2 more; short protein forms C514R, C539R, C224R, C515R, C394R, C513R, C550R, C419R.
Identifiers: ClinVar variation 36866 (VCV000036866.4), dbSNP rs193922664, ClinGen allele CA020708.

ClinVar aggregate classification (germline): Likely pathogenic (1 of 4 stars; one submission).

Conditions:
Loeys-Dietz syndrome (LDS). Identifiers: Orphanet 60030, MedGen C2697932, MONDO:0018954.

Submission:

Women's Health and Genetics/Laboratory Corporation of America, LabCorp
Classification: Likely pathogenic for Loeys-Dietz Syndrome. Last evaluated: 2011-08-18. Review status: criteria provided, single submitter. Criteria: LabCorp Variant Classification Summary - May 2015. Collection method: curation, clinical testing. Allele origin: germline. Inheritance: autosomal unknown. Affected: yes.
ClinVar note: Converted during submission from likely pathogenic to Likely pathogenic.